The following is an entry in ClinVar:

ClinVar aggregate classification (germline): Uncertain significance (1 of 4 stars; one submission).

Allele frequency attached by ClinVar (database versions not stated): gnomAD exomes 0.00002; gnomAD 0.00006; TOPMed 0.00009; ExAC 0.00003.

Submission:

Women's Health and Genetics/Laboratory Corporation of America, LabCorp
Classification: Uncertain significance. Last evaluated: 2022-02-03. Review status: criteria provided, single submitter. Criteria: LabCorp Variant Classification Summary - May 2015. Collection method: clinical testing. Allele origin: germline.
Comment: Variant summary: CTSF c.734G>A (p.Arg245His) results in a non-conservative amino acid change in the encoded protein sequence. Three of five in-silico tools predict a benign effect of the variant on protein function. The variant allele was found at a frequency of 1.6e-05 in 251338 control chromosomes. The available data on variant occurrences in the general population are insufficient to allow any conclusion about variant significance. c.734G>A has been reported in the literature in two individuals affected with adult-onset neuronal ceroid lipofuscinosis and frontotemporal dementia, without a second pathogenic variant (Van der Zee_2016). These reports do not provide unequivocal conclusions about association of the variant with Neuronal Ceroid-Lipofuscinosis (Batten Disease). To our knowledge, no experimental evidence demonstrating an impact on protein function has been reported. No clinical diagnostic laboratories have submitted clinical-significance assessments for this variant to ClinVar after 2014. Based on the evidence outlined above, the variant was classified as uncertain significance.

Literature cited by the submitters: PubMed 27668283.

NM_003793.4(CTSF):c.734G>A (p.Arg245His)

Gene: CTSF (cathepsin F; minus strand). Cytogenetic location: 11q13.2.
Variant type: single nucleotide variant.
Coding change: c.734G>A on transcript NM_003793.4 (MANE Select); coding-DNA position 734, G replaced by A.
Protein change: p.Arg245His; replaces arginine 245 with histidine.
Molecular consequence: missense variant.
Genome position (GRCh38, 1-based): chr11:66,566,155, C>T on the plus strand (G>A on the coding strand, the complement: CTSF is on the minus strand). VCF-style: chr11-66566155-C-T. GRCh37 (hg19) VCF-style: chr11-66333626-C-T.
Other names: short protein forms R245H.
Identifiers: ClinVar variation 1343577 (VCV001343577.1), dbSNP rs767931300, ClinGen allele CA6125449.